The following is an entry in ClinVar:

NM_006755.2(TALDO1):c.330-10_330-3del

Gene: TALDO1 (transaldolase 1; plus strand). Cytogenetic location: 11p15.5.
Variant type: Deletion.
Coding change: c.330-10_330-3del on transcript NM_006755.2 (MANE Select); 10 bases into the intron before coding-DNA position 330 through 3 bases into the intron before coding-DNA position 330, 8 bases deleted (GCTCCTAC; older notation c.330-10_330-3delGCTCCTAC).
Molecular consequence: intron variant.
Genome position (GRCh38, 1-based): chr11:760,112-760,119, GCTCCTAC deleted. VCF-style (leftmost placement, unchanged base first): chr11-760111-TGCTCCTAC-T. GRCh37 (hg19) VCF-style: chr11-760111-TGCTCCTAC-T.
Other names: c.330-10_330-3del8 (NM_006755.1).
Identifiers: ClinVar variation 1432581 (VCV001432581.4), dbSNP rs765818478, ClinGen allele CA5788109.

ClinVar aggregate classification (germline): Uncertain significance. Review status: criteria provided, multiple submitters, no conflicts (2 of 4 stars). 2 submissions from 2 submitters: Uncertain significance (2). Last evaluated 2026-06-12.

Conditions:
TALDO1-related disorder. Also called: TALDO1-related condition.

Allele frequency attached by ClinVar (database versions not stated): gnomAD exomes 0.00002 and 0.00007; ExAC 0.00009; 1000 Genomes Project 30x 0.00016; ESP Exome Variant Server 0.00024; TOPMed 0.00031; gnomAD 0.00035 and 0.00038.

Submissions (2):

PreventionGenetics, part of Exact Sciences
Classification: Uncertain significance for TALDO1-related condition. Last evaluated: 2026-06-12. Review status: criteria provided, single submitter. Criteria: ACMG Guidelines, 2015. Collection method: clinical testing. Allele origin: germline.
Comment: The TALDO1 c.330-10_330-3del8 variant is predicted to result in an intronic deletion. To our knowledge, this variant has not been reported in the literature. This variant is reported in 0.12% of alleles in individuals of African descent in gnomAD. At this time, the clinical significance of this variant is uncertain due to the absence of conclusive functional and genetic evidence.

Labcorp Genetics (formerly Invitae), Labcorp
Classification: Uncertain significance. Last evaluated: 2022-08-09. Review status: criteria provided, single submitter. Criteria: Invitae Variant Classification Sherloc (09022015). Collection method: clinical testing. Allele origin: germline.
Comment: This sequence change falls in intron 3 of the TALDO1 gene. It does not directly change the encoded amino acid sequence of the TALDO1 protein. It affects a nucleotide within the consensus splice site. This variant is present in population databases (rs765818478, gnomAD 0.1%). This variant has not been reported in the literature in individuals affected with TALDO1-related conditions. ClinVar contains an entry for this variant (Variation ID: 1432581). Variants that disrupt the consensus splice site are a relatively common cause of aberrant splicing (PMID: 17576681, 9536098). Algorithms developed to predict the effect of sequence changes on RNA splicing suggest that this variant may create or strengthen a splice site. In summary, the available evidence is currently insufficient to determine the role of this variant in disease. Therefore, it has been classified as a Variant of Uncertain Significance.

Literature cited by the submitters: PubMed 17576681 (cited by Labcorp Genetics (formerly Invitae), Labcorp); PubMed 9536098 (cited by Labcorp Genetics (formerly Invitae), Labcorp).